The following is an entry in ClinVar:

ClinVar aggregate classification (germline): Uncertain significance. Review status: criteria provided, multiple submitters, no conflicts (2 of 4 stars). 2 submissions from 2 submitters: Uncertain significance (2). Last evaluated 2022-09-13.

Allele frequency attached by ClinVar (database versions not stated): TOPMed below 0.00001.
gnomAD v4.1: 31 of 1,613,676 alleles (0.0019%); highest among the groups gnomAD compares: Non-Finnish European, 0.0025%; no homozygotes.

Submissions (2):

Labcorp Genetics (formerly Invitae), Labcorp
Classification: Uncertain significance. Last evaluated: 2022-09-13. Review status: criteria provided, single submitter. Criteria: Invitae Variant Classification Sherloc (09022015). Collection method: clinical testing. Allele origin: germline.
Comment: In summary, the available evidence is currently insufficient to determine the role of this variant in disease. Therefore, it has been classified as a Variant of Uncertain Significance. Algorithms developed to predict the effect of sequence changes on RNA splicing suggest that this variant may create or strengthen a splice site. This sequence change replaces methionine, which is neutral and non-polar, with isoleucine, which is neutral and non-polar, at codon 5441 of the ADGRV1 protein (p.Met5441Ile). This variant is not present in population databases (gnomAD no frequency). This variant has not been reported in the literature in individuals affected with ADGRV1-related conditions. ClinVar contains an entry for this variant (Variation ID: 1407219). Advanced modeling of protein sequence and biophysical properties (such as structural, functional, and spatial information, amino acid conservation, physicochemical variation, residue mobility, and thermodynamic stability) performed at Invitae indicates that this missense variant is not expected to disrupt ADGRV1 protein function.

Blueprint Genetics
Classification: Uncertain significance. Last evaluated: 2019-10-02. Review status: criteria provided, single submitter. Criteria: ACMG Guidelines, 2015. Collection method: clinical testing. Allele origin: germline.

NM_032119.4(ADGRV1):c.16323G>A (p.Met5441Ile)

Gene: ADGRV1 (adhesion G protein-coupled receptor V1; plus strand). Cytogenetic location: 5q14.3.
Variant type: single nucleotide variant.
Coding change: c.16323G>A on transcript NM_032119.4 (MANE Select); coding-DNA position 16323, G replaced by A.
Protein change: p.Met5441Ile; replaces methionine 5441 with isoleucine.
Molecular consequence: missense variant. On other transcripts: non-coding transcript variant (1).
Genome position (GRCh38, 1-based): chr5:90,823,551, G>A. VCF-style: chr5-90823551-G-A. GRCh37 (hg19) VCF-style: chr5-90119368-G-A.
Other names: short protein forms M5441I.
Identifiers: ClinVar variation 1407219 (VCV001407219.8), dbSNP rs1763798897, ClinGen allele CA360425688.